The following is an entry in ClinVar:

NM_004006.3(DMD):c.6485T>A (p.Leu2162Ter)

Gene: DMD (dystrophin; minus strand). Cytogenetic location: Xp21.1.
Variant type: single nucleotide variant.
Coding change: c.6485T>A on transcript NM_004006.3 (MANE Select); coding-DNA position 6485, T replaced by A.
Protein change: p.Leu2162Ter; replaces leucine 2162 with a stop codon.
Molecular consequence: nonsense. On other transcripts: 5 prime UTR variant (5).
Genome position (GRCh38, 1-based): chrX:31,968,468, A>T on the plus strand (T>A on the coding strand, the complement: DMD is on the minus strand). VCF-style: chrX-31968468-A-T. GRCh37 (hg19) VCF-style: chrX-31986585-A-T.
Other names: p.Leu2162Ter; c.6461T>A, p.Leu2154Ter (NM_000109.4); c.6473T>A, p.Leu2158Ter (NM_004009.3); c.6116T>A, p.Leu2039Ter (NM_004010.3); c.2462T>A, p.Leu821Ter (NM_004011.4); c.2453T>A, p.Leu818Ter (NM_004012.4); c.-896T>A (NM_004013.3, NM_004020.4, NM_004021.3 and 2 more transcripts); short protein forms L2162*, L2158*, L821*, L2039*, L2154*, L818*.
Identifiers: ClinVar variation 1704414 (VCV001704414.4), dbSNP rs2534077244, ClinGen allele CA412659745.
Genomic context (GRCh38, chrX:31,968,468, plus strand): 5'-TGTAGAATACTGGCATCTGTTTTTGAGGATTGCTGAATTATTTCTTCCCCAGTTGCATTC[A>T]ATGTTCTGACAACAGTTTGCCGCTGCCCAATGCCATCCTGGAGTTCCTGTAAGATACCAA-3'

ClinVar aggregate classification (germline): Pathogenic. Review status: criteria provided, single submitter (1 of 4 stars). 2 submissions from 1 submitter: Pathogenic (2). Last evaluated 2024-04-30.

Conditions:
Becker muscular dystrophy (BMD). Also called: MUSCULAR DYSTROPHY, PSEUDOHYPERTROPHIC PROGRESSIVE, BECKER TYPE; Becker Muscular Dystrophy (BMD). Identifiers: Orphanet 98895, MedGen C0917713, MONDO:0010311, OMIM 300376.
Duchenne muscular dystrophy (DMD). Also called: MUSCULAR DYSTROPHY, PSEUDOHYPERTROPHIC PROGRESSIVE, DUCHENNE TYPE; Duchenne Muscular Dystrophy (DMD). Identifiers: Orphanet 98896, MedGen C0013264, MONDO:0010679, OMIM 310200.

Submissions (2):

Foundation for Research in Genetics and Endocrinology, FRIGE's Institute of Human Genetics
Classification: Pathogenic for Becker muscular dystrophy. Last evaluated: 2024-04-30. Review status: criteria provided, single submitter. Criteria: ACMG Guidelines, 2015. Collection method: clinical testing. Allele origin: germline. Inheritance: X-linked recessive inheritance. Affected: yes. Observed: 1 hemizygote.
Comment: A hemizygous nonsense variant in exon 45 of the DMD gene that results in a stop codon and premature truncation of the protein at codon 2162 (p.Leu2162Ter) was detected. This variant has not been reported in the 1000 genomes, gnomAD (v3.1), gnomdAD (v2.1) and topmed databases. The in silico prediction of the variant is damaging by MutationTaster2. The reference codon is conserved across species. In summary, the variant meets our criteria to be classified as pathogenic.

Foundation for Research in Genetics and Endocrinology, FRIGE's Institute of Human Genetics
Classification: Pathogenic for Duchenne muscular dystrophy. Last evaluated: 2022-01-20. Review status: criteria provided, single submitter. Criteria: ACMG Guidelines, 2015. Collection method: clinical testing. Allele origin: germline. Inheritance: X-linked inheritance. Affected: yes. Observed: 1 hemizygote.
Comment: A Hemizygous nonsense variation in exon 45 of DMD gene that results in a stop codon and premature truncation of the protein p.Leu2162Ter at codon 2162 .The observed variant c.6485T>A (p.Leu2162Ter) has not been reported in the 1000 genomes and ExAC databases. The in silico prediction of the variant are possibly damaging by MutationTaster2. The reference codon is conserved across species.In summary, the variant meets our criteria to be classified as pathogenic.In summary, the variant meets our criteria to be classified as a variant of uncertain significance.